The following is an entry in ClinVar:

GRCh37/hg19 Xp22.31(chrX:6568478-7898751)x0

Genes: PNPLA4 (patatin like phospholipase domain containing 4; minus strand), PUDP (pseudouridine 5'-phosphatase; minus strand), STS (steroid sulfatase; plus strand), VCX (variable charge X-linked; plus strand). Cytogenetic location: Xp22.31.
Variant type: copy number loss.
Change: copy number 0 of chrX:6,568,478-7,898,751 (1.33 Mb, GRCh37 coordinates, 1-based), cytogenetic band Xp22.31.
Identifiers: ClinVar variation 2684396 (VCV002684396.1).

ClinVar aggregate classification (germline): Pathogenic (1 of 4 stars; one submission).

Submission:

Quest Diagnostics Nichols Institute San Juan Capistrano
Classification: Pathogenic. Last evaluated: 2022-08-02. Review status: criteria provided, single submitter. Criteria: ACMG/ClinGen CNV Guidelines, 2019. Collection method: clinical testing. Allele origin: unknown.
Comment: The Xp22.31 deletion encompasses several genes including STS (OMIM 300747). STS deletion in males is consistent with the X-linked ichthyosis (OMIM 308100, Gubb 2020, Kent 2008, Myers 2020). Thus, based on current medical literature and gene content, this copy number variant (CNV) is classified as pathogenic. References: Gubb et al., Hum Mol Genet. 2020 Oct 10;29(17):2872-2881. PMID: 32766777 Kent et al., J Med Genet. 2008 Aug;45(8):519-24. PMID: 18413370 Myers et al., Pediatr Neurol. 2020 Jul;108:113-116. PMID: 32299744